The following is an entry in ClinVar:

ClinVar aggregate classification (germline): Uncertain significance (1 of 4 stars; one submission).

gnomAD v4.1: 1 of 1,608,462 alleles (0.000062%); highest among the groups gnomAD compares: Admixed American, 0.0017%; no homozygotes.

Submission:

GeneDx
Classification: Uncertain significance. Last evaluated: 2025-02-07. Review status: criteria provided, single submitter. Criteria: GeneDx Variant Classification Process June 2021. Collection method: clinical testing. Allele origin: germline. Affected: yes.
Comment: Not observed at significant frequency in large population cohorts (gnomAD); In silico analysis indicates that this missense variant does not alter protein structure/function; Has not been previously published as pathogenic or benign to our knowledge

NM_001242896.3(DEPDC5):c.2171T>C (p.Ile724Thr)

Gene: DEPDC5 (DEP domain containing 5, GATOR1 subcomplex subunit; plus strand). Cytogenetic location: 22q12.3.
Variant type: single nucleotide variant.
Coding change: c.2171T>C on transcript NM_001242896.3 (MANE Select); coding-DNA position 2171, T replaced by C.
Protein change: p.Ile724Thr; replaces isoleucine 724 with threonine.
Molecular consequence: missense variant. On other transcripts: non-coding transcript variant (4), intron variant (3).
Genome position (GRCh38, 1-based): chr22:31,836,972, T>C. VCF-style: chr22-31836972-T-C. GRCh37 (hg19) VCF-style: chr22-32232958-T-C.
Other names: c.1937T>C, p.Ile646Thr (NM_001242897.2, NM_001363854.2, NM_001364319.2); c.2171T>C, p.Ile724Thr (NM_001363852.2, NM_001364318.2, NM_001364320.2); c.2087T>C, p.Ile696Thr (NM_001369901.1, NM_001369902.1); c.2171-27T>C (NM_001136029.4, NM_014662.6, NM_001369903.1); short protein forms I646T, I696T, I724T.
Identifiers: ClinVar variation 4074697 (VCV004074697.1).
Genomic context (GRCh38, chr22:31,836,972, plus strand): 5'-CCCCATCCCACACTTGCCATGGTGACCACATGTACCTTTTCCCCCTGTTACGTGAGGCAG[T>C]TCTGACACTGTCTGCTCCCCCTGTAGTGCCAGGCTTCTGTTGCACAGTTGGAGTGGACTG-3'
Protein context (NP_001229825.1, residues 714-734): EDSVSTSPDP[Ile724Thr]LTLSAPPVVP